The following is an entry in ClinVar:

NM_001378615.1(CC2D2A):c.1526T>C (p.Ile509Thr)

Genes: CC2D2A (coiled-coil and C2 domain containing 2A; plus strand), FBXL5 (F-box and leucine rich repeat protein 5; minus strand). Cytogenetic location: 4p15.32.
Variant type: single nucleotide variant.
Coding change: c.1526T>C on transcript NM_001378615.1 (MANE Select); coding-DNA position 1526, T replaced by C.
Protein change: p.Ile509Thr; replaces isoleucine 509 with threonine.
Molecular consequence: missense variant.
Genome position (GRCh38, 1-based): chr4:15,533,252, T>C. VCF-style: chr4-15533252-T-C. GRCh37 (hg19) VCF-style: chr4-15534875-T-C.
Other names: c.1379T>C, p.Ile460Thr (NM_001378617.1); c.1526T>C, p.Ile509Thr (NM_001080522.2); short protein forms I509T, I460T.
Identifiers: ClinVar variation 2152502 (VCV002152502.1), dbSNP rs1270428820, ClinGen allele CA356410956.
Genomic context (GRCh38, chr4:15,533,252, plus strand): 5'-GACAAACAAGAAAATTCCGTGATGCTGAACAAGAAAAAGATAGAACATTGCTTAAGACTA[T>C]CATAAAAGTTTGGAAAGAGATGAAATCCCTTCGAGAGTTCCAGAGATTTACAAATACTCC-3'
Protein context (NP_001365544.1, residues 499-519): QEKDRTLLKT[Ile509Thr]IKVWKEMKSL

ClinVar aggregate classification (germline): Uncertain significance (1 of 4 stars; one submission).

Conditions:
Joubert syndrome. Also called: JOUBERT-BOLTSHAUSER SYNDROME; Familial aplasia of the vermis. Identifiers: Orphanet 475, MedGen C5979921, MONDO:0018772.
Meckel-Gruber syndrome. Also called: DYSENCEPHALIA SPLANCHNOCYSTICA; GRUBER SYNDROME; Dysencephalia splachnocystica. Identifiers: Orphanet 564, MedGen C0265215, MONDO:0018921.

Allele frequency attached by ClinVar (database versions not stated): gnomAD exomes below 0.00001; gnomAD 0.00001.
gnomAD v4.1: 3 of 1,602,638 alleles (0.00019%); highest among the groups gnomAD compares: South Asian, 0.0011%; no homozygotes.

Submission:

Labcorp Genetics (formerly Invitae), Labcorp
Classification: Uncertain significance for Joubert syndrome; Meckel-Gruber syndrome. Last evaluated: 2022-07-30. Review status: criteria provided, single submitter. Criteria: Invitae Variant Classification Sherloc (09022015). Collection method: clinical testing. Allele origin: germline.
Comment: This sequence change replaces isoleucine, which is neutral and non-polar, with threonine, which is neutral and polar, at codon 509 of the CC2D2A protein (p.Ile509Thr). This variant is not present in population databases (gnomAD no frequency). This variant has not been reported in the literature in individuals affected with CC2D2A-related conditions. Algorithms developed to predict the effect of missense changes on protein structure and function are either unavailable or do not agree on the potential impact of this missense change (SIFT: "Deleterious"; PolyPhen-2: "Probably Damaging"; Align-GVGD: "Class C0"). In summary, the available evidence is currently insufficient to determine the role of this variant in disease. Therefore, it has been classified as a Variant of Uncertain Significance.